The following is an entry in ClinVar:

ClinVar aggregate classification (germline): Benign/Likely benign. Review status: criteria provided, multiple submitters, no conflicts (2 of 4 stars). 6 submissions from 6 submitters: Benign (2); Likely benign (2). 2 of the submissions do not count toward it. Last evaluated 2024-12-18.

Conditions:
EGFR-related disorder. Also called: EGFR-related condition.

Allele frequency attached by ClinVar (database versions not stated): 1000 Genomes Project 30x 0.00718; 1000 Genomes Project 0.00759; TOPMed 0.01232; ExAC 0.01251; gnomAD 0.01253 and 0.01263; gnomAD exomes 0.01279; ESP Exome Variant Server 0.01499.
gnomAD v4.1: 24,646 of 1,614,044 alleles (1.5%); highest among the groups gnomAD compares: Middle Eastern, 2.2%; 230 homozygotes.

Submissions (6):

ARUP Laboratories, Molecular Genetics and Genomics, ARUP Laboratories
Classification: Benign. Last evaluated: 2024-12-18. Review status: criteria provided, single submitter. Criteria: ARUP Molecular Germline Variant Investigation Process 2024. Collection method: clinical testing. Allele origin: germline.

CeGaT Center for Human Genetics Tuebingen
Classification: Benign. Last evaluated: 2022-12-01. Review status: criteria provided, single submitter. Criteria: CeGaT Center For Human Genetics Tuebingen Variant Classification Criteria Version 2. Collection method: clinical testing. Allele origin: germline. Affected: yes. Observed: 1 variant allele.
Comment: EGFR: BP4, BP7, BS1, BS2

GeneDx
Classification: Likely benign. Last evaluated: 2019-03-29. Review status: criteria provided, single submitter. Criteria: GeneDx Variant Classification Process June 2021. Collection method: clinical testing. Allele origin: germline. Affected: yes.

Breakthrough Genomics
Classification: Likely benign. Review status: criteria provided, single submitter. Criteria: ACMG Guidelines, 2015. Collection method: not provided. Allele origin: germline. Inheritance: Autosomal recessive inheritance. Affected: yes.

PreventionGenetics, part of Exact Sciences
Classification: Benign for EGFR-related condition. Last evaluated: 2019-02-26. Review status: no assertion criteria provided. Collection method: clinical testing. Allele origin: germline. Not counted in ClinVar's aggregate classification.
Comment: This variant is classified as benign based on ACMG/AMP sequence variant interpretation guidelines (Richards et al. 2015 PMID: 25741868, with internal and published modifications).

Department of Pathology and Laboratory Medicine, Sinai Health System
Classification: Likely benign. Review status: no assertion criteria provided. Collection method: clinical testing. Allele origin: unknown. Affected: yes. Study: The Canadian Open Genetics Repository (COGR). Not counted in ClinVar's aggregate classification.
Comment: The EGFR p.Pro676Pro variant was not identified in the literature nor was it identified in ClinVar, Cosmic, or LOVD 3.0. The variant was identified in the dbSNP (ID: rs17336988) and in control databases in 3571 of 282800 chromosomes (38 homozygous) at a frequency of 0.012627 increasing the likelihood this could be a low frequency benign variant (Genome Aggregation Database Feb 27, 2017). The variant was observed in the following populations: Ashkenazi Jewish in 274 of 10370 chromosomes (freq: 0.02642), European (non-Finnish) in 2296 of 129178 chromosomes (freq: 0.01777), Other in 118 of 7224 chromosomes (freq: 0.01633), Latino in 381 of 35434 chromosomes (freq: 0.01075), European (Finnish) in 235 of 25072 chromosomes (freq: 0.009373), South Asian in 188 of 30616 chromosomes (freq: 0.006141), African in 78 of 24952 chromosomes (freq: 0.003126), and East Asian in 1 of 19954 chromosomes (freq: 0.00005). The p.Pro676Pro variant is not expected to have clinical significance because it does not result in a change of amino acid and is not located in a known consensus splice site. In addition, in silico or computational prediction software programs (SpliceSiteFinder, MaxEntScan, NNSPLICE, GeneSplicer, HumanSpliceFinder) do not predict a difference in splicing. In summary, based on the above information the clinical significance of this variant cannot be determined with certainty at this time although we would lean towards a more benign role for this variant. This variant is classified as likely benign.

NM_005228.5(EGFR):c.1881-721G>A

Gene: EGFR (epidermal growth factor receptor; plus strand). Cytogenetic location: 7p11.2.
Variant type: single nucleotide variant.
Coding change: c.1881-721G>A on transcript NM_005228.5 (MANE Select); 721 bases into the intron before coding-DNA position 1881, G replaced by A.
Molecular consequence: intron variant. On other transcripts: synonymous variant (1).
Genome position (GRCh38, 1-based): chr7:55,170,454, G>A. VCF-style: chr7-55170454-G-A. GRCh37 (hg19) VCF-style: chr7-55238147-G-A.
Other names: c.2028G>A, p.Pro676= (NM_201284.2); c.1746-721G>A (NM_001346899.2, NM_001346897.2); c.1080-721G>A (NM_001346941.2); c.1881-721G>A (NM_001346898.2); c.1722-721G>A (NM_001346900.2); c.2028G>A (NM_201284.1).
Identifiers: ClinVar variation 1048935 (VCV001048935.31), dbSNP rs17336988, ClinGen allele CA4265807.